The following is an entry in ClinVar:

ClinVar aggregate classification (germline): Uncertain significance. Review status: criteria provided, multiple submitters, no conflicts (2 of 4 stars). 2 submissions from 2 submitters: Uncertain significance (2). Last evaluated 2023-12-14.

Conditions:
Hereditary cancer-predisposing syndrome. Also called: Hereditary Cancer Syndrome; Neoplastic Syndromes, Hereditary; Tumor predisposition; Hereditary neoplastic syndrome. Identifiers: Orphanet 140162, MedGen C0027672, MeSH D009386, MONDO:0015356.
BAP1-related tumor predisposition syndrome (TPDS1). Also called: BAP1 tumor predisposition syndrome; Tumor susceptibility linked to germline BAP1 mutations; TUMOR PREDISPOSITION SYNDROME 1; COMMON Syndrome. Identifiers: Orphanet 289539, MedGen C3280492, MONDO:0013692, OMIM 614327.

Submissions (2):

Ambry Genetics
Classification: Uncertain significance for Hereditary cancer-predisposing syndrome. Last evaluated: 2023-12-14. Review status: criteria provided, single submitter. Criteria: Ambry Variant Classification Scheme 2023. Collection method: clinical testing. Allele origin: germline.
Comment: The p.D458E variant (also known as c.1374C>A), located in coding exon 13 of the BAP1 gene, results from a C to A substitution at nucleotide position 1374. The aspartic acid at codon 458 is replaced by glutamic acid, an amino acid with highly similar properties. This amino acid position is conserved. In addition, this alteration is predicted to be tolerated by in silico analysis. Since supporting evidence is limited at this time, the clinical significance of this alteration remains unclear.

Labcorp Genetics (formerly Invitae), Labcorp
Classification: Uncertain significance for BAP1-related tumor predisposition syndrome. Last evaluated: 2020-06-22. Review status: criteria provided, single submitter. Criteria: Invitae Variant Classification Sherloc (09022015). Collection method: clinical testing. Allele origin: germline.
Comment: This sequence change replaces aspartic acid with glutamic acid at codon 458 of the BAP1 protein (p.Asp458Glu). The aspartic acid residue is moderately conserved and there is a small physicochemical difference between aspartic acid and glutamic acid. This variant is not present in population databases (ExAC no frequency). This variant has not been reported in the literature in individuals with BAP1-related conditions. Algorithms developed to predict the effect of missense changes on protein structure and function (SIFT, PolyPhen-2, Align-GVGD) all suggest that this variant is likely to be tolerated, but these predictions have not been confirmed by published functional studies and their clinical significance is uncertain. In summary, the available evidence is currently insufficient to determine the role of this variant in disease. Therefore, it has been classified as a Variant of Uncertain Significance.

NM_004656.4(BAP1):c.1374C>A (p.Asp458Glu)

Gene: BAP1 (BRCA1 associated deubiquitinase 1; minus strand). Cytogenetic location: 3p21.1.
Variant type: single nucleotide variant.
Coding change: c.1374C>A on transcript NM_004656.4 (MANE Select); coding-DNA position 1374, C replaced by A.
Protein change: p.Asp458Glu; replaces aspartic acid 458 with glutamic acid.
Molecular consequence: missense variant.
Genome position (GRCh38, 1-based): chr3:52,403,771, G>T on the plus strand (C>A on the coding strand, the complement: BAP1 is on the minus strand). VCF-style: chr3-52403771-G-T. GRCh37 (hg19) VCF-style: chr3-52437787-G-T.
Other names: c.1374C>A (NM_004656.2); short protein forms D458E.
Identifiers: ClinVar variation 1022088 (VCV001022088.6), dbSNP rs1705055353, ClinGen allele CA353101719.